The following is an entry in ClinVar:

NM_139276.3(STAT3):c.1145G>C (p.Arg382Pro)

Gene: STAT3 (signal transducer and activator of transcription 3; minus strand). Cytogenetic location: 17q21.2.
Variant type: single nucleotide variant.
Coding change: c.1145G>C on transcript NM_139276.3 (MANE Select); coding-DNA position 1145, G replaced by C.
Protein change: p.Arg382Pro; replaces arginine 382 with proline.
Molecular consequence: missense variant.
Genome position (GRCh38, 1-based): chr17:42,329,642, C>G on the plus strand (G>C on the coding strand, the complement: STAT3 is on the minus strand). VCF-style: chr17-42329642-C-G. GRCh37 (hg19) VCF-style: chr17-40481660-C-G.
Other names: c.1145G>C, p.Arg382Pro (NM_001369512.1, NM_001369513.1, NM_001369514.1 and 12 more transcripts); c.1067G>C, p.Arg356Pro (NM_001384985.1); c.1160G>C, p.Arg387Pro (NM_001384986.1, NM_001384990.1); c.1049G>C, p.Arg350Pro (NM_001384989.1); c.1085G>C, p.Arg362Pro (NM_001384992.1); short protein forms R356P, R350P, R362P, R382P, R387P.
Identifiers: ClinVar variation 2099076 (VCV002099076.4), dbSNP rs113994136, ClinGen allele CA399589164.

ClinVar aggregate classification (germline): Pathogenic (1 of 4 stars; one submission).

Conditions:
STAT3 gain of function. Identifiers: MedGen C4288261.
Hyper-IgE recurrent infection syndrome 1, autosomal dominant. Also called: JOB SYNDROME; Job's Syndrome; STAT3 Hyper IgE Syndrome; Hyper-IgE recurrent infection syndrome 1; HYPER-IgE SYNDROME 1, AUTOSOMAL DOMINANT, WITH RECURRENT INFECTIONS. Identifiers: Orphanet 2314, MedGen C2936739, MONDO:0007818, OMIM 147060.

Submission:

Labcorp Genetics (formerly Invitae), Labcorp
Classification: Pathogenic for STAT3 gain of function; Hyper-IgE recurrent infection syndrome 1, autosomal dominant. Last evaluated: 2022-03-30. Review status: criteria provided, single submitter. Criteria: Invitae Variant Classification Sherloc (09022015). Collection method: clinical testing. Allele origin: germline.
Comment: This sequence change replaces arginine, which is basic and polar, with proline, which is neutral and non-polar, at codon 382 of the STAT3 protein (p.Arg382Pro). For these reasons, this variant has been classified as Pathogenic. This variant disrupts the p.Arg382 amino acid residue in STAT3. Other variant(s) that disrupt this residue have been determined to be pathogenic (PMID: 17676033, 17881745, 20301786, 24452316, 27302695). This suggests that this residue is clinically significant, and that variants that disrupt this residue are likely to be disease-causing. Advanced modeling of protein sequence and biophysical properties (such as structural, functional, and spatial information, amino acid conservation, physicochemical variation, residue mobility, and thermodynamic stability) performed at Invitae indicates that this missense variant is expected to disrupt STAT3 protein function. This missense change has been observed in individual(s) with hyper IgE syndrome (PMID: 32944025). In at least one individual the variant was observed to be de novo. This variant is not present in population databases (gnomAD no frequency).

Literature cited by the submitters: PubMed 17676033; PubMed 17881745; PubMed 20301786; PubMed 24452316; PubMed 27302695; PubMed 32944025.